The following is an entry in ClinVar:

NM_001042492.3(NF1):c.4193C>A (p.Pro1398His)

Gene: NF1 (neurofibromin 1; plus strand). Cytogenetic location: 17q11.2.
Variant type: single nucleotide variant.
Coding change: c.4193C>A on transcript NM_001042492.3 (MANE Select); coding-DNA position 4193, C replaced by A.
Protein change: p.Pro1398His; replaces proline 1398 with histidine.
Molecular consequence: missense variant.
Genome position (GRCh38, 1-based): chr17:31,258,363, C>A. VCF-style: chr17-31258363-C-A. GRCh37 (hg19) VCF-style: chr17-29585381-C-A.
Other names: c.4130C>A, p.Pro1377His (NM_000267.4); short protein forms P1377H, P1398H.
Identifiers: ClinVar variation 3634549 (VCV003634549.2).

ClinVar aggregate classification (germline): Uncertain significance (1 of 4 stars; one submission).

Conditions:
Neurofibromatosis, type 1 (NF1). Also called: VON RECKLINGHAUSEN DISEASE; Peripheral type neurofibromatosis; NEUROFIBROMATOSIS, TYPE I, SOMATIC; Neurofibromatosis, type I. Identifiers: Orphanet 636, MedGen C0027831, MONDO:0018975, OMIM 162200. Disease mechanism: loss of function.

Submission:

Labcorp Genetics (formerly Invitae), Labcorp
Classification: Uncertain significance for Neurofibromatosis, type 1. Last evaluated: 2024-09-10. Review status: criteria provided, single submitter. Criteria: Invitae Variant Classification Sherloc (09022015). Collection method: clinical testing. Allele origin: germline.
Comment: This sequence change replaces proline, which is neutral and non-polar, with histidine, which is basic and polar, at codon 1377 of the NF1 protein (p.Pro1377His). This variant is not present in population databases (gnomAD no frequency). This variant has not been reported in the literature in individuals affected with NF1-related conditions. Invitae Evidence Modeling of protein sequence and biophysical properties (such as structural, functional, and spatial information, amino acid conservation, physicochemical variation, residue mobility, and thermodynamic stability) indicates that this missense variant is expected to disrupt NF1 protein function with a positive predictive value of 95%. In summary, the available evidence is currently insufficient to determine the role of this variant in disease. Therefore, it has been classified as a Variant of Uncertain Significance.